The following is an entry in ClinVar:

NM_001242.5(CD27):c.575T>C (p.Ile192Thr)

Genes: CD27 (CD27 molecule; plus strand), CD27-AS1 (CD27 antisense RNA 1; minus strand), LOC130007242 (ATAC-STARR-seq lymphoblastoid active region 5859; plus strand). Cytogenetic location: 12p13.31.
Variant type: single nucleotide variant.
Coding change: c.575T>C on transcript NM_001242.5 (MANE Select); coding-DNA position 575, T replaced by C.
Protein change: p.Ile192Thr; replaces isoleucine 192 with threonine.
Molecular consequence: missense variant. On other transcripts: non-coding transcript variant (1).
Genome position (GRCh38, 1-based): chr12:6,450,931, T>C. VCF-style: chr12-6450931-T-C. GRCh37 (hg19) VCF-style: chr12-6560097-T-C.
Other names: short protein forms I192T.
Identifiers: ClinVar variation 1043297 (VCV001043297.6), dbSNP rs1457741812, ClinGen allele CA383551127.

ClinVar aggregate classification (germline): Uncertain significance (1 of 4 stars; one submission).

Conditions:
Lymphoproliferative syndrome 2 (LPFS2). Also called: CD27 DEFICIENCY; Combined immunodeficiency due to CD27 deficiency. Identifiers: Orphanet 238505, MedGen C3554540, MONDO:0014054, OMIM 615122.

Submission:

Labcorp Genetics (formerly Invitae), Labcorp
Classification: Uncertain significance for Lymphoproliferative syndrome 2. Last evaluated: 2021-08-24. Review status: criteria provided, single submitter. Criteria: Invitae Variant Classification Sherloc (09022015). Collection method: clinical testing. Allele origin: germline.
Comment: This sequence change replaces isoleucine with threonine at codon 192 of the CD27 protein (p.Ile192Thr). The isoleucine residue is highly conserved and there is a moderate physicochemical difference between isoleucine and threonine. This variant is not present in population databases (ExAC no frequency). This variant has not been reported in the literature in individuals affected with CD27-related conditions. Algorithms developed to predict the effect of missense changes on protein structure and function are either unavailable or do not agree on the potential impact of this missense change (SIFT: "Deleterious"; PolyPhen-2: "Benign"; Align-GVGD: "Class C65"). In summary, the available evidence is currently insufficient to determine the role of this variant in disease. Therefore, it has been classified as a Variant of Uncertain Significance.